The following is an entry in ClinVar:

NM_018489.3(ASH1L):c.673G>A (p.Ala225Thr)

Gene: ASH1L (ASH1 like histone lysine methyltransferase; minus strand). Cytogenetic location: 1q22.
Variant type: single nucleotide variant.
Coding change: c.673G>A on transcript NM_018489.3 (MANE Select); coding-DNA position 673, G replaced by A.
Protein change: p.Ala225Thr; replaces alanine 225 with threonine.
Molecular consequence: missense variant.
Genome position (GRCh38, 1-based): chr1:155,482,197, C>T on the plus strand (G>A on the coding strand, the complement: ASH1L is on the minus strand). VCF-style: chr1-155482197-C-T. GRCh37 (hg19) VCF-style: chr1-155451988-C-T.
Other names: c.673G>A, p.Ala225Thr (NM_001366177.2); short protein forms A225T.
Identifiers: ClinVar variation 3766019 (VCV003766019.1).

ClinVar aggregate classification (germline): Uncertain significance (1 of 4 stars; one submission).

Submission:

GeneDx
Classification: Uncertain significance. Last evaluated: 2024-09-03. Review status: criteria provided, single submitter. Criteria: GeneDx Variant Classification Process June 2021. Collection method: clinical testing. Allele origin: germline. Affected: yes.
Comment: Not observed at significant frequency in large population cohorts (gnomAD); In silico analysis indicates that this missense variant does not alter protein structure/function; Has not been previously published as pathogenic or benign to our knowledge